The following is an entry in ClinVar:

ClinVar aggregate classification (germline): Uncertain significance. Review status: criteria provided, multiple submitters, no conflicts (2 of 4 stars). 2 submissions from 2 submitters: Uncertain significance (2). Last evaluated 2025-01-15.

Submissions (2):

Labcorp Genetics (formerly Invitae), Labcorp
Classification: Uncertain significance. Last evaluated: 2025-01-15. Review status: criteria provided, single submitter. Criteria: Invitae Variant Classification Sherloc (09022015). Collection method: clinical testing. Allele origin: germline.
Comment: This sequence change replaces proline, which is neutral and non-polar, with arginine, which is basic and polar, at codon 1311 of the NPAT protein (p.Pro1311Arg). This variant is not present in population databases (gnomAD no frequency). This variant has not been reported in the literature in individuals affected with NPAT-related conditions. ClinVar contains an entry for this variant (Variation ID: 1736277). An algorithm developed to predict the effect of missense changes on protein structure and function (PolyPhen-2) suggests that this variant is likely to be disruptive. In summary, the available evidence is currently insufficient to determine the role of this variant in disease. Therefore, it has been classified as a Variant of Uncertain Significance.

Ambry Genetics
Classification: Uncertain significance. Last evaluated: 2022-10-11. Review status: criteria provided, single submitter. Criteria: Ambry Variant Classification Scheme 2023. Collection method: clinical testing. Allele origin: germline.
Comment: The p.P1311R variant (also known as c.3932C>G), located in coding exon 17 of the NPAT gene, results from a C to G substitution at nucleotide position 3932. The proline at codon 1311 is replaced by arginine, an amino acid with dissimilar properties. This amino acid position is conserved. In addition, this alteration is predicted to be tolerated by in silico analysis. Since supporting evidence is limited at this time, the clinical significance of this alteration remains unclear.

NM_002519.3(NPAT):c.3932C>G (p.Pro1311Arg)

Gene: NPAT (nuclear protein, coactivator of histone transcription; minus strand). Cytogenetic location: 11q22.3.
Variant type: single nucleotide variant.
Coding change: c.3932C>G on transcript NM_002519.3 (MANE Select); coding-DNA position 3932, C replaced by G.
Protein change: p.Pro1311Arg; replaces proline 1311 with arginine.
Molecular consequence: missense variant.
Genome position (GRCh38, 1-based): chr11:108,161,154, G>C on the plus strand (C>G on the coding strand, the complement: NPAT is on the minus strand). VCF-style: chr11-108161154-G-C. GRCh37 (hg19) VCF-style: chr11-108031881-G-C.
Other names: c.3953C>G, p.Pro1318Arg (NM_001321307.1); short protein forms P1311R, P1318R.
Identifiers: ClinVar variation 1736277 (VCV001736277.4), dbSNP rs2496694014, ClinGen allele CA382509733.